The following is an entry in ClinVar:

NM_001130438.3(SPTAN1):c.3586C>T (p.Arg1196Cys)

Gene: SPTAN1 (spectrin alpha, non-erythrocytic 1; plus strand). Cytogenetic location: 9q34.11.
Variant type: single nucleotide variant.
Coding change: c.3586C>T on transcript NM_001130438.3 (MANE Select); coding-DNA position 3586, C replaced by T.
Protein change: p.Arg1196Cys; replaces arginine 1196 with cysteine.
Molecular consequence: missense variant.
Genome position (GRCh38, 1-based): chr9:128,603,549, C>T. VCF-style: chr9-128603549-C-T. GRCh37 (hg19) VCF-style: chr9-131365828-C-T.
Other names: c.3526C>T, p.Arg1176Cys (NM_001195532.2, NM_001363765.2, NM_001375314.2); c.3586C>T, p.Arg1196Cys (NM_001363759.2, NM_001375310.1, NM_001375311.2 and 2 more transcripts); c.3622C>T, p.Arg1208Cys (NM_001375312.2, NM_001375318.1); short protein forms R1176C, R1196C, R1208C.
Identifiers: ClinVar variation 3707382 (VCV003707382.2).

ClinVar aggregate classification (germline): Uncertain significance (1 of 4 stars; one submission).

Conditions:
Early-infantile DEE. Also called: Early infantile epileptic encephalopathy; Early infantile epileptic encephalopathy with suppression bursts; Ohtahara syndrome. Identifiers: Orphanet 1934, MedGen C0393706, MONDO:0800491.

Submission:

Labcorp Genetics (formerly Invitae), Labcorp
Classification: Uncertain significance for Early-infantile DEE. Last evaluated: 2024-05-07. Review status: criteria provided, single submitter. Criteria: Invitae Variant Classification Sherloc (09022015). Collection method: clinical testing. Allele origin: germline.
Comment: This sequence change replaces arginine, which is basic and polar, with cysteine, which is neutral and slightly polar, at codon 1196 of the SPTAN1 protein (p.Arg1196Cys). This variant is present in population databases (no rsID available, gnomAD 0.0009%). This variant has not been reported in the literature in individuals affected with SPTAN1-related conditions. Advanced modeling of protein sequence and biophysical properties (such as structural, functional, and spatial information, amino acid conservation, physicochemical variation, residue mobility, and thermodynamic stability) has been performed at Invitae for this missense variant, however the output from this modeling did not meet the statistical confidence thresholds required to predict the impact of this variant on SPTAN1 protein function. Algorithms developed to predict the effect of sequence changes on RNA splicing suggest that this variant may disrupt the consensus splice site. In summary, the available evidence is currently insufficient to determine the role of this variant in disease. Therefore, it has been classified as a Variant of Uncertain Significance.